The following is an entry in ClinVar:

ClinVar aggregate classification (germline): Uncertain significance (1 of 4 stars; one submission).

Submission:

Labcorp Genetics (formerly Invitae), Labcorp
Classification: Uncertain significance. Last evaluated: 2022-07-03. Review status: criteria provided, single submitter. Criteria: Invitae Variant Classification Sherloc (09022015). Collection method: clinical testing. Allele origin: germline.
Comment: Algorithms developed to predict the effect of missense changes on protein structure and function (SIFT, PolyPhen-2, Align-GVGD) all suggest that this variant is likely to be tolerated. In summary, the available evidence is currently insufficient to determine the role of this variant in disease. Therefore, it has been classified as a Variant of Uncertain Significance. This sequence change replaces valine, which is neutral and non-polar, with leucine, which is neutral and non-polar, at codon 228 of the SLC39A7 protein (p.Val228Leu). This variant is not present in population databases (gnomAD no frequency). This variant has not been reported in the literature in individuals affected with SLC39A7-related conditions.

NM_006979.3(SLC39A7):c.682G>C (p.Val228Leu)

Gene: SLC39A7 (solute carrier family 39 member 7; plus strand). Cytogenetic location: 6p21.32.
Variant type: single nucleotide variant.
Coding change: c.682G>C on transcript NM_006979.3 (MANE Select); coding-DNA position 682, G replaced by C.
Protein change: p.Val228Leu; replaces valine 228 with leucine.
Molecular consequence: missense variant.
Genome position (GRCh38, 1-based): chr6:33,202,310, G>C. VCF-style: chr6-33202310-G-C. GRCh37 (hg19) VCF-style: chr6-33170087-G-C.
Other names: c.682G>C, p.Val228Leu (NM_001077516.2); c.307G>C, p.Val103Leu (NM_001288777.2); short protein forms V228L, V103L.
Identifiers: ClinVar variation 2187832 (VCV002187832.3), dbSNP rs2535784307, ClinGen allele CA363642400.